The following is an entry in ClinVar:

NM_004187.5(KDM5C):c.4566C>A (p.Asn1522Lys)

Gene: KDM5C (lysine demethylase 5C; minus strand). Cytogenetic location: Xp11.22.
Variant type: single nucleotide variant.
Coding change: c.4566C>A on transcript NM_004187.5 (MANE Select); coding-DNA position 4566, C replaced by A.
Protein change: p.Asn1522Lys; replaces asparagine 1522 with lysine.
Molecular consequence: missense variant. On other transcripts: intron variant (5).
Genome position (GRCh38, 1-based): chrX:53,193,084, G>T on the plus strand (C>A on the coding strand, the complement: KDM5C is on the minus strand). VCF-style: chrX-53193084-G-T. GRCh37 (hg19) VCF-style: chrX-53222266-G-T.
Other names: c.4563C>A, p.Asn1521Lys (NM_001282622.3); c.4557C>A, p.Asn1519Lys (NM_001353978.3); c.4305+353C>A (NM_001353982.2); c.4314+353C>A (NM_001353979.2); c.4308+353C>A (NM_001353981.2, NM_001353984.2); c.4047-247C>A (NM_001146702.2); short protein forms N1522K, N1519K, N1521K.
Identifiers: ClinVar variation 435565 (VCV000435565.15), dbSNP rs1245355138, ClinGen allele CA413102368.
Genomic context (GRCh38, chrX:53,193,084, plus strand): 5'-AGTGGAGAAAGGGGCCGAGGGGCCTGAAGTGGTCCCTTCCGCCGGTTCCAAGCCATTCTG[G>T]TTCTCCTGGGTGCTGGGGCTGCCAGTGGTGGGGATGGGTGCAGGGGGGCCCTCACCCCCA-3'
Protein context (NP_004178.2, residues 1512-1532): PTTGSPSTQE[Asn1522Lys]QNGLEPAEGT

ClinVar aggregate classification (germline): Uncertain significance. Review status: criteria provided, multiple submitters, no conflicts (2 of 4 stars). 4 submissions from 4 submitters: Uncertain significance (4). Last evaluated 2023-08-30.

Conditions:
Spastic paraplegia. Identifiers: MedGen C0037772, HP:0001258.
Intellectual developmental disorder, X-linked, syndromic, Claes-Jensen type. Also called: INTELLECTUAL DEVELOPMENTAL DISORDER, X-LINKED, SYNDROMIC 16; MENTAL RETARDATION, X-LINKED, SYNDROMIC 16; Syndromic X-linked intellectual disability Claes-Jensen type. Identifiers: Orphanet 85279, MedGen C1845243, MONDO:0010355, OMIM 300534.

Allele frequency attached by ClinVar (database versions not stated): gnomAD 0.00001; gnomAD exomes below 0.00001.
gnomAD v4.1: 7 of 1,207,054 alleles (0.00058%); highest among the groups gnomAD compares: Middle Eastern, 0.023%; no homozygotes.

Submissions (4):

Labcorp Genetics (formerly Invitae), Labcorp
Classification: Uncertain significance for Spastic paraplegia. Last evaluated: 2023-08-30. Review status: criteria provided, single submitter. Criteria: Invitae Variant Classification Sherloc (09022015). Collection method: clinical testing. Allele origin: germline.
Comment: This variant has not been reported in the literature in individuals affected with KDM5C-related conditions. This variant is not present in population databases (gnomAD no frequency). This sequence change replaces asparagine, which is neutral and polar, with lysine, which is basic and polar, at codon 1522 of the KDM5C protein (p.Asn1522Lys). ClinVar contains an entry for this variant (Variation ID: 435565). In summary, the available evidence is currently insufficient to determine the role of this variant in disease. Therefore, it has been classified as a Variant of Uncertain Significance. Advanced modeling of protein sequence and biophysical properties (such as structural, functional, and spatial information, amino acid conservation, physicochemical variation, residue mobility, and thermodynamic stability) performed at Invitae indicates that this missense variant is not expected to disrupt KDM5C protein function.

Baylor Genetics
Classification: Uncertain significance for Intellectual developmental disorder, X-linked, syndromic, Claes-Jensen type. Last evaluated: 2020-07-09. Review status: criteria provided, single submitter. Criteria: ACMG Guidelines, 2015. Collection method: clinical testing. Allele origin: unknown. Affected: yes.
Comment: This variant was determined to be of uncertain significance according to ACMG Guidelines, 2015 [PMID:25741868].

Mayo Clinic Laboratories, Mayo Clinic
Classification: Uncertain significance. Last evaluated: 2019-07-29. Review status: criteria provided, single submitter. Criteria: ACMG Guidelines, 2015. Collection method: clinical testing. Allele origin: germline. Observed: 3 variant alleles.

Genetic Services Laboratory, University of Chicago
Classification: Uncertain significance. Last evaluated: 2016-08-08. Review status: criteria provided, single submitter. Criteria: ACMG Guidelines, 2015. Collection method: clinical testing. Allele origin: germline. Affected: no.